The following is an entry in ClinVar:

ClinVar aggregate classification (germline): Conflicting classifications of pathogenicity. Review status: criteria provided, conflicting classifications (1 of 4 stars). 5 submissions from 5 submitters: Uncertain significance (4); Likely benign (1). Last evaluated 2025-11-26.

Conditions:
Hereditary cancer-predisposing syndrome. Also called: Neoplastic Syndromes, Hereditary; Tumor predisposition; Hereditary neoplastic syndrome; Hereditary Cancer Syndrome. Identifiers: Orphanet 140162, MedGen C0027672, MeSH D009386, MONDO:0015356.
Hereditary breast ovarian cancer syndrome. Also called: Hereditary breast and ovarian cancer syndrome; Hereditary breast and ovarian cancer; Hereditary breast and ovarian cancer syndrome (HBOC); Breast and ovarian cancer; Hereditary breast and/or ovarian cancer syndrome; BRCA1- and BRCA2-Associated Hereditary Breast and Ovarian Cancer. Identifiers: Orphanet 145, MedGen C0677776, MeSH D061325, MONDO:0003582. Disease mechanism: loss of function.

Allele frequency attached by ClinVar (database versions not stated): ExAC 0.00001.

Submissions (5):

Labcorp Genetics (formerly Invitae), Labcorp
Classification: Uncertain significance for Hereditary breast ovarian cancer syndrome. Last evaluated: 2025-11-26. Review status: criteria provided, single submitter. Criteria: Invitae Variant Classification Sherloc (09022015). Collection method: clinical testing. Allele origin: germline.
Comment: This sequence change replaces proline, which is neutral and non-polar, with serine, which is neutral and polar, at codon 1136 of the BRCA1 protein (p.Pro1136Ser). This variant is present in population databases (rs431825395, gnomAD 0.003%). This variant has not been reported in the literature in individuals affected with BRCA1-related conditions. ClinVar contains an entry for this variant (Variation ID: 823737). Invitae Evidence Modeling of protein sequence and biophysical properties (such as structural, functional, and spatial information, amino acid conservation, physicochemical variation, residue mobility, and thermodynamic stability) indicates that this missense variant is not expected to disrupt BRCA1 protein function with a negative predictive value of 80%. In summary, the available evidence is currently insufficient to determine the role of this variant in disease. Therefore, it has been classified as a Variant of Uncertain Significance.

University of Washington Department of Laboratory Medicine, University of Washington
Classification: Likely benign for Hereditary cancer-predisposing syndrome. Last evaluated: 2023-03-23. Review status: criteria provided, single submitter. Criteria: Dines et al. (Genet Med. 2020). Collection method: curation. Allele origin: germline.
Comment: Missense variant in a coldspot region where missense variants are very unlikely to be pathogenic (PMID:31911673).

BRCA1 coldspot (exon 11 using historical exon numbering). Reclassification based on statistical prior probability

GeneDx
Classification: Uncertain significance. Last evaluated: 2022-12-10. Review status: criteria provided, single submitter. Criteria: GeneDx Variant Classification Process June 2021. Collection method: clinical testing. Allele origin: germline. Affected: yes.
Comment: Not observed at significant frequency in large population cohorts (gnomAD); In silico analysis supports that this missense variant has a deleterious effect on protein structure/function; Has not been previously published as pathogenic or benign to our knowledge; Also known as 3525C>T; This variant is associated with the following publications: (PMID: 32377563, 29884841)

Color Diagnostics, LLC DBA Color Health
Classification: Uncertain significance for Hereditary cancer-predisposing syndrome. Last evaluated: 2020-02-14. Review status: criteria provided, single submitter. Criteria: ACMG Guidelines, 2015. Collection method: clinical testing. Allele origin: germline.
Comment: This missense variant replaces proline with serine at codon 1136 of the BRCA1 protein. Computational prediction suggests that this variant may not impact protein structure and function (internally defined REVEL score threshold <= 0.5, PMID: 27666373). Splice site prediction tools suggest that this variant may not impact RNA splicing. To our knowledge, functional studies have not been performed for this variant. This variant has not been reported in individuals affected with hereditary cancer in the literature. This variant has been identified in 1/250892 chromosomes in the general population by the Genome Aggregation Database (gnomAD). The available evidence is insufficient to determine the role of this variant in disease conclusively. Therefore, this variant is classified as a Variant of Uncertain Significance.

Ambry Genetics
Classification: Uncertain significance for Hereditary cancer-predisposing syndrome. Last evaluated: 2019-05-29. Review status: criteria provided, single submitter. Criteria: Ambry Variant Classification Scheme 2023. Collection method: clinical testing. Allele origin: germline.
Comment: The p.P1136S variant (also known as c.3406C>T), located in coding exon 9 of the BRCA1 gene, results from a C to T substitution at nucleotide position 3406. The proline at codon 1136 is replaced by serine, an amino acid with similar properties. This amino acid position is not well conserved in available vertebrate species. In addition, the in silico prediction for this alteration is inconclusive. Since supporting evidence is limited at this time, the clinical significance of this alteration remains unclear.

NM_007294.4(BRCA1):c.3406C>T (p.Pro1136Ser)

Genes: BRCA1 (BRCA1 DNA repair associated; minus strand), LOC126862571 (BRD4-independent group 4 enhancer GRCh37_chr17:41243136-41244335; plus strand). Cytogenetic location: 17q21.31.
Variant type: single nucleotide variant.
Coding change: c.3406C>T on transcript NM_007294.4 (MANE Select); coding-DNA position 3406, C replaced by T.
Protein change: p.Pro1136Ser; replaces proline 1136 with serine.
Molecular consequence: missense variant. On other transcripts: intron variant (135).
Genome position (GRCh38, 1-based): chr17:43,092,125, G>A on the plus strand (C>T on the coding strand, the complement: BRCA1 is on the minus strand). VCF-style: chr17-43092125-G-A. GRCh37 (hg19) VCF-style: chr17-41244142-G-A.
Other names: c.3142C>T, p.Pro1048Ser (NM_001407927.1, NM_001407928.1, NM_001407929.1 and 9 more transcripts); c.3139C>T, p.Pro1047Ser (NM_001407931.1, NM_001407932.1, NM_001407930.1 and 2 more transcripts); c.3406C>T, p.Pro1136Ser (NM_001407621.1, NM_001407618.1, NM_001407620.1 and 30 more transcripts); c.3193C>T, p.Pro1065Ser (NM_001407571.1, NM_001407853.1, NM_001407894.1 and 9 more transcripts); c.3403C>T, p.Pro1135Ser (NM_001407587.1, NM_001407590.1, NM_001407591.1 and 22 more transcripts); c.3397C>T, p.Pro1133Ser (NM_001407646.1, NM_001407647.1); c.3283C>T, p.Pro1095Ser (NM_001407648.1, NM_001407664.1, NM_001407665.1 and 19 more transcripts); c.3280C>T, p.Pro1094Ser (NM_001407649.1, NM_001407670.1, NM_001407671.1 and 11 more transcripts); and 41 more; short protein forms P1089S, P1136S, P840S, P1047S, P1109S, P1008S, P1025S, P1065S.
Identifiers: ClinVar variation 823737 (VCV000823737.17), dbSNP rs431825395, ClinGen allele CA057880.
Genomic context (GRCh38, chr17:43,092,125, plus strand): 5'-CATCTAACAGGTCATCAGGTGTCTCAGAACAAACCTGAGATGCATGACTACTTCCCATAG[G>A]CTGTTCTAAGTTATCTGAAATCAGATATGGAGAGAAATCTGTATTAACAGTCTGAACTAC-3'
Protein context (NP_009225.1, residues 1126-1146): PYLISDNLEQ[Pro1136Ser]MGSSHASQVC